The following is an entry in ClinVar:

NM_032776.3(JMJD1C):c.5009C>T (p.Pro1670Leu)

Gene: JMJD1C (jumonji domain containing 1C; minus strand). Cytogenetic location: 10q21.3.
Variant type: single nucleotide variant.
Coding change: c.5009C>T on transcript NM_032776.3 (MANE Select); coding-DNA position 5009, C replaced by T.
Protein change: p.Pro1670Leu; replaces proline 1670 with leucine.
Molecular consequence: missense variant. On other transcripts: non-coding transcript variant (1).
Genome position (GRCh38, 1-based): chr10:63,206,660, G>A on the plus strand (C>T on the coding strand, the complement: JMJD1C is on the minus strand). VCF-style: chr10-63206660-G-A. GRCh37 (hg19) VCF-style: chr10-64966420-G-A.
Other names: c.4463C>T, p.Pro1488Leu (NM_001282948.2, NM_001318154.2); c.4145C>T, p.Pro1382Leu (NM_001318153.2); c.4895C>T, p.Pro1632Leu (NM_001322252.2); c.4352C>T, p.Pro1451Leu (NM_001322254.2, NM_001322258.2); short protein forms P1382L, P1451L, P1488L, P1632L, P1670L.
Identifiers: ClinVar variation 1062268 (VCV001062268.9), dbSNP rs745783138, ClinGen allele CA5518174.
Genomic context (GRCh38, chr10:63,206,660, plus strand): 5'-CTGTTGCTTTGCAACTTCAGTTTACTTCTTTCTTTGGCACTCCTGCTGAGAACTCCATTG[G>A]GTTTCAAATCTTCTTCTATTTCACCTTTTCTCTTTTGCAAATCATTTTGCTTCTTTTTGT-3'
Protein context (NP_116165.1, residues 1660-1680): RKGEIEEDLK[Pro1670Leu]NGVLSRSAKE

ClinVar aggregate classification (germline): Uncertain significance (1 of 4 stars; one submission).

Conditions:
Early Myoclonic Encephalopathy. Identifiers: MedGen C0270855.

Allele frequency attached by ClinVar (database versions not stated): TOPMed below 0.00001; gnomAD exomes 0.00001; ExAC 0.00001.
gnomAD v4.1: 14 of 1,612,062 alleles (0.00087%); highest among the groups gnomAD compares: East Asian, 0.0022%; no homozygotes.

Submission:

Labcorp Genetics (formerly Invitae), Labcorp
Classification: Uncertain significance for Early Myoclonic Encephalopathy. Last evaluated: 2020-09-08. Review status: criteria provided, single submitter. Criteria: Invitae Variant Classification Sherloc (09022015). Collection method: clinical testing. Allele origin: germline.
Comment: In summary, the available evidence is currently insufficient to determine the role of this variant in disease. Therefore, it has been classified as a Variant of Uncertain Significance. Algorithms developed to predict the effect of missense changes on protein structure and function are either unavailable or do not agree on the potential impact of this missense change (SIFT: "Tolerated"; PolyPhen-2: "Probably Damaging"; Align-GVGD: "Class C0"). This variant has not been reported in the literature in individuals with JMJD1C-related conditions. This variant is present in population databases (rs745783138, ExAC 0.002%). This sequence change replaces proline with leucine at codon 1670 of the JMJD1C protein (p.Pro1670Leu). The proline residue is highly conserved and there is a moderate physicochemical difference between proline and leucine.